The following is an entry in ClinVar:

ClinVar aggregate classification (germline): Likely benign (1 of 4 stars; one submission).

gnomAD v4.1: 1 of 1,599,830 alleles (0.000063%); highest among the groups gnomAD compares: South Asian, 0.0011%; no homozygotes.

Submission:

CeGaT Center for Human Genetics Tuebingen
Classification: Likely benign. Last evaluated: 2025-03-01. Review status: criteria provided, single submitter. Criteria: CeGaT Center For Human Genetics Tuebingen Variant Classification Criteria Version 2. Collection method: clinical testing. Allele origin: germline. Affected: yes. Observed: 1 variant allele.
Comment: KCNC3: BP4, BP7

NM_004977.3(KCNC3):c.375C>T (p.Arg125=)

Gene: KCNC3 (potassium voltage-gated channel subfamily C member 3; minus strand). Cytogenetic location: 19q13.33.
Variant type: single nucleotide variant.
Coding change: c.375C>T on transcript NM_004977.3 (MANE Select); coding-DNA position 375, C replaced by T.
Protein change: p.Arg125=; no amino-acid change (arginine 125 retained).
Molecular consequence: synonymous variant.
Genome position (GRCh38, 1-based): chr19:50,328,708, G>A on the plus strand (C>T on the coding strand, the complement: KCNC3 is on the minus strand). VCF-style: chr19-50328708-G-A. GRCh37 (hg19) VCF-style: chr19-50831965-G-A.
Other names: c.147C>T, p.Arg49= (NM_001372305.1).
Identifiers: ClinVar variation 3777984 (VCV003777984.7).
Genomic context (GRCh38, chr19:50,328,708, plus strand): 5'-CGCGAAGACTCCCGGGTGCCGGTCAAAGAAGAACTCGTCGGCGCCCGGGTCGTAGTCGAA[G>A]CGTGCCGCCGCCTCGGGCTCCGTCAGGCCGGCCAGCCGCGTCCCCGGCAGGGTGCGCAGC-3'
Protein context (NP_004968.2, residues 115-135): AGLTEPEAAA[Arg125=]FDYDPGADEF